The following is an entry in ClinVar:

NM_003718.5(CDK13):c.1742A>T (p.Lys581Ile)

Gene: CDK13 (cyclin dependent kinase 13; plus strand). Cytogenetic location: 7p14.1.
Variant type: single nucleotide variant.
Coding change: c.1742A>T on transcript NM_003718.5 (MANE Select); coding-DNA position 1742, A replaced by T.
Protein change: p.Lys581Ile; replaces lysine 581 with isoleucine.
Molecular consequence: missense variant.
Genome position (GRCh38, 1-based): chr7:39,988,129, A>T. VCF-style: chr7-39988129-A-T. GRCh37 (hg19) VCF-style: chr7-40027728-A-T.
Other names: c.1742A>T, p.Lys581Ile (NM_031267.4); short protein forms K581I.
Identifiers: ClinVar variation 3384557 (VCV003384557.1).

ClinVar aggregate classification (germline): Uncertain significance (1 of 4 stars; one submission).

gnomAD v4.1: 1 of 1,614,136 alleles (0.000062%); highest among the groups gnomAD compares: African/African-American, 0.0013%; no homozygotes.

Submission:

GeneDx
Classification: Uncertain significance. Last evaluated: 2024-06-04. Review status: criteria provided, single submitter. Criteria: GeneDx Variant Classification Process June 2021. Collection method: clinical testing. Allele origin: germline. Affected: yes.
Comment: Not observed at significant frequency in large population cohorts (gnomAD); In silico analysis supports that this missense variant has a deleterious effect on protein structure/function; Has not been previously published as pathogenic or benign to our knowledge